The following is an entry in ClinVar:

ClinVar aggregate classification (germline): Likely pathogenic (1 of 4 stars; one submission).

Conditions:
Developmental and epileptic encephalopathy, 11 (DEE11). Also called: Early infantile epileptic encephalopathy 11. Identifiers: Orphanet 1934, MedGen C3150987, MONDO:0013388, OMIM 613721.

Submission:

Laboratory of Medical Genetics, National & Kapodistrian University of Athens
Classification: Likely pathogenic for Developmental and epileptic encephalopathy, 11. Last evaluated: 2021-10-05. Review status: criteria provided, single submitter. Criteria: ACMG Guidelines, 2015. Collection method: clinical testing. Allele origin: maternal. Affected: yes.
Comment: PM1, PM2, PP1, PP2, PP3

NM_001040142.2(SCN2A):c.2986G>A (p.Asp996Asn)

Gene: SCN2A (sodium voltage-gated channel alpha subunit 2; plus strand). Cytogenetic location: 2q24.3.
Variant type: single nucleotide variant.
Coding change: c.2986G>A on transcript NM_001040142.2 (MANE Select); coding-DNA position 2986, G replaced by A.
Protein change: p.Asp996Asn; replaces aspartic acid 996 with asparagine.
Molecular consequence: missense variant.
Genome position (GRCh38, 1-based): chr2:165,354,258, G>A. VCF-style: chr2-165354258-G-A. GRCh37 (hg19) VCF-style: chr2-166210768-G-A.
Other names: c.2986G>A, p.Asp996Asn (NM_001040143.2, NM_001371246.1, NM_001371247.1 and 1 more transcripts); short protein forms D996N.
Identifiers: ClinVar variation 1299578 (VCV001299578.1), dbSNP rs2105336868, ClinGen allele CA349019567.